The following is an entry in ClinVar:

NM_000046.5(ARSB):c.1502G>A (p.Arg501His)

Gene: ARSB (arylsulfatase B; minus strand). Cytogenetic location: 5q14.1.
Variant type: single nucleotide variant.
Coding change: c.1502G>A on transcript NM_000046.5 (MANE Select); coding-DNA position 1502, G replaced by A.
Protein change: p.Arg501His; replaces arginine 501 with histidine.
Molecular consequence: missense variant.
Genome position (GRCh38, 1-based): chr5:78,780,497, C>T on the plus strand (G>A on the coding strand, the complement: ARSB is on the minus strand). VCF-style: chr5-78780497-C-T. GRCh37 (hg19) VCF-style: chr5-78076320-C-T.
Other names: short protein forms R501H.
Identifiers: ClinVar variation 354304 (VCV000354304.9), dbSNP rs190643827, ClinGen allele CA3317972.

ClinVar aggregate classification (germline): Uncertain significance. Review status: criteria provided, multiple submitters, no conflicts (2 of 4 stars). 4 submissions from 4 submitters: Uncertain significance (3). 1 of the submissions does not count toward it. Last evaluated 2024-10-07.

Conditions:
Mucopolysaccharidosis type 6 (MPS6). Also called: ARSB DEFICIENCY; ARYLSULFATASE B DEFICIENCY; MPS VI; N-ACETYLGALACTOSAMINE-4-SULFATASE DEFICIENCY; MPS 6; Maroteaux Lamy syndrome. Identifiers: Orphanet 583, MedGen C0026709, MONDO:0009661, OMIM 253200.
Inborn genetic diseases. Identifiers: MedGen C0950123, MeSH D030342.

Allele frequency attached by ClinVar (database versions not stated): gnomAD 0.00003; gnomAD exomes 0.00003 and 0.00006; ExAC 0.00005; TOPMed 0.00005; ESP Exome Variant Server 0.00008; 1000 Genomes Project 30x 0.00016; 1000 Genomes Project 0.00020.
gnomAD v4.1: 86 of 1,614,052 alleles (0.0053%); highest among the groups gnomAD compares: East Asian, 0.0089%; no homozygotes.

Submissions (4):

Ambry Genetics
Classification: Uncertain significance for Inborn genetic diseases. Last evaluated: 2024-10-07. Review status: criteria provided, single submitter. Criteria: Ambry Variant Classification Scheme 2023. Collection method: clinical testing. Allele origin: germline.

Labcorp Genetics (formerly Invitae), Labcorp
Classification: Uncertain significance for Mucopolysaccharidosis type 6. Last evaluated: 2022-10-17. Review status: criteria provided, single submitter. Criteria: Invitae Variant Classification Sherloc (09022015). Collection method: clinical testing. Allele origin: germline.
Comment: This sequence change replaces arginine, which is basic and polar, with histidine, which is basic and polar, at codon 501 of the ARSB protein (p.Arg501His). This variant is present in population databases (rs190643827, gnomAD 0.007%). This variant has not been reported in the literature in individuals affected with ARSB-related conditions. ClinVar contains an entry for this variant (Variation ID: 354304). Advanced modeling of protein sequence and biophysical properties (such as structural, functional, and spatial information, amino acid conservation, physicochemical variation, residue mobility, and thermodynamic stability) performed at Invitae indicates that this missense variant is expected to disrupt ARSB protein function. In summary, the available evidence is currently insufficient to determine the role of this variant in disease. Therefore, it has been classified as a Variant of Uncertain Significance.

Illumina Laboratory Services, Illumina
Classification: Uncertain significance for Mucopolysaccharidosis type 6. Last evaluated: 2018-01-13. Review status: criteria provided, single submitter. Criteria: ICSL Variant Classification Criteria 13 December 2019. Collection method: clinical testing. Allele origin: germline.

Natera, Inc.
Classification: Uncertain significance for Mucopolysaccharidosis type VI. Last evaluated: 2020-09-16. Review status: no assertion criteria provided. Collection method: clinical testing. Allele origin: germline. Not counted in ClinVar's aggregate classification.